The following is an entry in ClinVar:

NM_003906.5(MCM3AP):c.3350C>T (p.Ala1117Val)

Gene: MCM3AP (minichromosome maintenance complex component 3 associated protein; minus strand). Cytogenetic location: 21q22.3.
Variant type: single nucleotide variant.
Coding change: c.3350C>T on transcript NM_003906.5 (MANE Select); coding-DNA position 3350, C replaced by T.
Protein change: p.Ala1117Val; replaces alanine 1117 with valine.
Molecular consequence: missense variant.
Genome position (GRCh38, 1-based): chr21:46,261,397, G>A on the plus strand (C>T on the coding strand, the complement: MCM3AP is on the minus strand). VCF-style: chr21-46261397-G-A. GRCh37 (hg19) VCF-style: chr21-47681311-G-A.
Other names: short protein forms A1117V.
Identifiers: ClinVar variation 2600211 (VCV002600211.5), dbSNP rs759021661, ClinGen allele CA10076510.

ClinVar aggregate classification (germline): Uncertain significance. Review status: criteria provided, multiple submitters, no conflicts (2 of 4 stars). 2 submissions from 2 submitters: Uncertain significance (2). Last evaluated 2023-06-22.

Conditions:
Inborn genetic diseases. Identifiers: MedGen C0950123, MeSH D030342.

Allele frequency attached by ClinVar (database versions not stated): gnomAD exomes below 0.00001; gnomAD 0.00001; ExAC 0.00002; TOPMed 0.00002.
gnomAD v4.1: 5 of 1,614,020 alleles (0.00031%); highest among the groups gnomAD compares: East Asian, 0.0045%; no homozygotes.

Submissions (2):

Ambry Genetics
Classification: Uncertain significance for Inborn genetic diseases. Last evaluated: 2023-06-22. Review status: criteria provided, single submitter. Criteria: Ambry Variant Classification Scheme 2023. Collection method: clinical testing. Allele origin: germline.

Labcorp Genetics (formerly Invitae), Labcorp
Classification: Uncertain significance. Last evaluated: 2023-06-03. Review status: criteria provided, single submitter. Criteria: Invitae Variant Classification Sherloc (09022015). Collection method: clinical testing. Allele origin: germline.
Comment: This sequence change replaces alanine, which is neutral and non-polar, with valine, which is neutral and non-polar, at codon 1117 of the MCM3AP protein (p.Ala1117Val). In summary, the available evidence is currently insufficient to determine the role of this variant in disease. Therefore, it has been classified as a Variant of Uncertain Significance. Algorithms developed to predict the effect of sequence changes on RNA splicing suggest that this variant may create or strengthen a splice site. An algorithm developed to predict the effect of missense changes on protein structure and function (PolyPhen-2) suggests that this variant is likely to be tolerated. This variant has not been reported in the literature in individuals affected with MCM3AP-related conditions. This variant is present in population databases (rs759021661, gnomAD 0.01%).